The following is an entry in ClinVar:

ClinVar aggregate classification (germline): Likely pathogenic. Review status: reviewed by expert panel (3 of 4 stars). 2 submissions from 2 submitters: Likely pathogenic (1). 1 of the submissions does not count toward it. Last evaluated 2026-09-15.

Conditions:
Ornithine carbamoyltransferase deficiency (OTCD). Also called: Ornithine Carbamoyltransferase Deficiency Disease; ORNITHINE TRANSCARBAMYLASE DEFICIENCY; OTC DEFICIENCY; ORNITHINE TRANSCARBAMYLASE DEFICIENCY, HYPERAMMONEMIA DUE TO. Identifiers: Orphanet 664, MedGen C0268542, MONDO:0010703, OMIM 311250.

Submissions (2):

Clingen Urea Cycle Disorders Variant Curation Expert Panel, ClinGen
Classification: Likely pathogenic for Ornithine carbamoyltransferase deficiency. Last evaluated: 2026-09-15. Review status: reviewed by expert panel. Criteria: ClinGen UreaCycles ACMG Specifications OTC V1.0. Collection method: curation. Allele origin: germline. Inheritance: X-linked inheritance.
Comment: The NM_000156.6:c.1A>T (p.Met1Leu) variant in OTC may cause a truncated or absent protein by altering the start codon of the coding sequence and is predicted to lead to the omission of a critical region of the protein (PVS1). This variant has been detected in 1 individual with neonatal-onset OTC deficiency (PMID:16786505), however biochemical evidence was not available for review. This variant is absent in gnomAD v4.1.0 (PM2_Supporting). In summary, this variant meets the criteria to be classified as likely pathogenic for OTC deficiency based on the ACMG/AMP criteria applied, as specified by the ClinGen Urea Cycle Disorders Variant Curation Expert Panel (OTC specifications version 1.0.0): PVS1 (+8), PM2_Supporting (+1)

GenMed Metabolism Lab
Classification: Pathogenic. Review status: no assertion criteria provided. Collection method: not provided. Allele origin: unknown. Not counted in ClinVar's aggregate classification.
Comment: p.Met1Leu, Neonatal
ClinVar note: Converted during submission from pathogenic to Pathogenic.

NM_000531.6(OTC):c.1A>T (p.Met1Leu)

Gene: OTC (ornithine transcarbamylase; plus strand). Cytogenetic location: Xp11.4.
Variant type: single nucleotide variant.
Coding change: c.1A>T on transcript NM_000531.6 (MANE Select); coding-DNA position 1, A replaced by T.
Protein change: p.Met1Leu; changes the start codon (methionine 1).
Molecular consequence: missense variant, initiator codon variant.
Genome position (GRCh38, 1-based): chrX:38,352,697, A>T. VCF-style: chrX-38352697-A-T. GRCh37 (hg19) VCF-style: chrX-38211950-A-T.
Other names: NM_000531.6(OTC):c.1A>T; p.Met1Leu; short protein forms M1L.
Identifiers: ClinVar variation 97131 (VCV000097131.4), dbSNP rs67752076, ClinGen allele CA224496.